The following is an entry in ClinVar:

ClinVar aggregate classification (germline): Uncertain significance. Review status: criteria provided, multiple submitters, no conflicts (2 of 4 stars). 2 submissions from 2 submitters: Uncertain significance (2). Last evaluated 2024-10-10.

Conditions:
Hajdu-Cheney syndrome (HJCYS). Also called: Acroosteolysis dominant type; SERPENTINE FIBULA-POLYCYSTIC KIDNEY SYNDROME; ACROOSTEOLYSIS WITH OSTEOPOROSIS AND CHANGES IN SKULL AND MANDIBLE. Identifiers: Orphanet 955, MedGen C0917715, MONDO:0007057, OMIM 102500.

Allele frequency attached by ClinVar (database versions not stated): gnomAD exomes below 0.00001.

Submissions (2):

Labcorp Genetics (formerly Invitae), Labcorp
Classification: Uncertain significance for Hajdu-Cheney syndrome. Last evaluated: 2024-10-10. Review status: criteria provided, single submitter. Criteria: Invitae Variant Classification Sherloc (09022015). Collection method: clinical testing. Allele origin: germline.
Comment: This sequence change replaces arginine, which is basic and polar, with glutamine, which is neutral and polar, at codon 1933 of the NOTCH2 protein (p.Arg1933Gln). This variant is not present in population databases (gnomAD no frequency). This variant has not been reported in the literature in individuals affected with NOTCH2-related conditions. ClinVar contains an entry for this variant (Variation ID: 2663201). Invitae Evidence Modeling of protein sequence and biophysical properties (such as structural, functional, and spatial information, amino acid conservation, physicochemical variation, residue mobility, and thermodynamic stability) has been performed for this missense variant. However, the output from this modeling did not meet the statistical confidence thresholds required to predict the impact of this variant on NOTCH2 protein function. In summary, the available evidence is currently insufficient to determine the role of this variant in disease. Therefore, it has been classified as a Variant of Uncertain Significance.

GeneDx
Classification: Uncertain significance. Last evaluated: 2024-08-05. Review status: criteria provided, single submitter. Criteria: GeneDx Variant Classification Process June 2021. Collection method: clinical testing. Allele origin: germline.
Comment: Not observed at significant frequency in large population cohorts (gnomAD); In silico analysis supports that this missense variant has a deleterious effect on protein structure/function; Has not been previously published as pathogenic or benign to our knowledge

NM_024408.4(NOTCH2):c.5798G>A (p.Arg1933Gln)

Gene: NOTCH2 (notch receptor 2; minus strand). Cytogenetic location: 1p12.
Variant type: single nucleotide variant.
Coding change: c.5798G>A on transcript NM_024408.4 (MANE Select); coding-DNA position 5798, G replaced by A.
Protein change: p.Arg1933Gln; replaces arginine 1933 with glutamine.
Molecular consequence: missense variant.
Genome position (GRCh38, 1-based): chr1:119,918,537, C>T on the plus strand (G>A on the coding strand, the complement: NOTCH2 is on the minus strand). VCF-style: chr1-119918537-C-T. GRCh37 (hg19) VCF-style: chr1-120461160-C-T.
Other names: short protein forms R1933Q.
Identifiers: ClinVar variation 2663201 (VCV002663201.5), dbSNP rs2101148229, ClinGen allele CA341883013.